The following is an entry in ClinVar:

NM_001256789.3(CACNA1F):c.1627C>A (p.Pro543Thr)

Gene: CACNA1F (calcium voltage-gated channel subunit alpha1 F; minus strand). Cytogenetic location: Xp11.23.
Variant type: single nucleotide variant.
Coding change: c.1627C>A on transcript NM_001256789.3 (MANE Select); coding-DNA position 1627, C replaced by A.
Protein change: p.Pro543Thr; replaces proline 543 with threonine.
Molecular consequence: missense variant.
Genome position (GRCh38, 1-based): chrX:49,225,933, G>T on the plus strand (C>A on the coding strand, the complement: CACNA1F is on the minus strand). VCF-style: chrX-49225933-G-T. GRCh37 (hg19) VCF-style: chrX-49082395-G-T.
Other names: c.1465C>A, p.Pro489Thr (NM_001256790.3); c.1660C>A, p.Pro554Thr (NM_005183.4); short protein forms P543T, P554T, P489T.
Identifiers: ClinVar variation 2811439 (VCV002811439.3), dbSNP rs1557109713, ClinGen allele CA412916082.

ClinVar aggregate classification (germline): Uncertain significance (1 of 4 stars; one submission).

Submission:

Labcorp Genetics (formerly Invitae), Labcorp
Classification: Uncertain significance. Last evaluated: 2023-05-23. Review status: criteria provided, single submitter. Criteria: Invitae Variant Classification Sherloc (09022015). Collection method: clinical testing. Allele origin: germline.
Comment: This variant is not present in population databases (gnomAD no frequency). This variant has not been reported in the literature in individuals affected with CACNA1F-related conditions. Advanced modeling of protein sequence and biophysical properties (such as structural, functional, and spatial information, amino acid conservation, physicochemical variation, residue mobility, and thermodynamic stability) performed at Invitae indicates that this missense variant is not expected to disrupt CACNA1F protein function. In summary, the available evidence is currently insufficient to determine the role of this variant in disease. Therefore, it has been classified as a Variant of Uncertain Significance. This sequence change replaces proline, which is neutral and non-polar, with threonine, which is neutral and polar, at codon 554 of the CACNA1F protein (p.Pro554Thr).